The following is an entry in ClinVar:

NM_000901.5(NR3C2):c.2139T>C (p.Pro713=)

Gene: NR3C2 (nuclear receptor subfamily 3 group C member 2; minus strand). Cytogenetic location: 4q31.23.
Variant type: single nucleotide variant.
Coding change: c.2139T>C on transcript NM_000901.5 (MANE Select); coding-DNA position 2139, T replaced by C.
Protein change: p.Pro713=; no amino-acid change (proline 713 retained).
Molecular consequence: synonymous variant. On other transcripts: intron variant (2).
Genome position (GRCh38, 1-based): chr4:148,154,777, A>G on the plus strand (T>C on the coding strand, the complement: NR3C2 is on the minus strand). VCF-style: chr4-148154777-A-G. GRCh37 (hg19) VCF-style: chr4-149075928-A-G.
Other names: p.Pro713=; c.2015-2164T>C (NM_001354819.1, NM_001166104.2).
Identifiers: ClinVar variation 347722 (VCV000347722.30), dbSNP rs151096115, ClinGen allele CA3100154.

ClinVar aggregate classification (germline): Benign/Likely benign. Review status: criteria provided, multiple submitters, no conflicts (2 of 4 stars). 7 submissions from 7 submitters: Benign (5); Likely benign (2). Last evaluated 2026-01-17.

Conditions:
Autosomal dominant pseudohypoaldosteronism type 1. Also called: Pseudohypoaldosteronism, Type I, Dominant; PHA I, AUTOSOMAL DOMINANT; Pseudohypoaldosteronism, Type I, Autosomal Dominant. Identifiers: Orphanet 171871, Orphanet 756, MedGen C1449842, MONDO:0008329, OMIM 177735.
Pseudohyperaldosteronism type 2. Identifiers: Orphanet 88660, MedGen C1854631, MONDO:0011517, OMIM 605115.

Allele frequency attached by ClinVar (database versions not stated): 1000 Genomes Project 0.00399; 1000 Genomes Project 30x 0.00437; ExAC 0.00542; gnomAD exomes 0.00563 and 0.01195; ESP Exome Variant Server 0.00707; TOPMed 0.00751; gnomAD 0.00862 and 0.00895.
gnomAD v4.1: 15,546 of 1,327,278 alleles (1.2%); highest among the groups gnomAD compares: Non-Finnish European, 1.4%; 104 homozygotes.

Submissions (7):

Labcorp Genetics (formerly Invitae), Labcorp
Classification: Benign. Last evaluated: 2026-01-17. Review status: criteria provided, single submitter. Criteria: Invitae Variant Classification Sherloc (09022015). Collection method: clinical testing. Allele origin: germline.

Blueprint Genetics
Classification: Likely benign. Last evaluated: 2024-11-25. Review status: criteria provided, single submitter. Criteria: ACMG Guidelines, 2015. Collection method: clinical testing. Allele origin: germline.

CeGaT Center for Human Genetics Tuebingen
Classification: Benign. Last evaluated: 2024-10-01. Review status: criteria provided, single submitter. Criteria: CeGaT Center For Human Genetics Tuebingen Variant Classification Criteria Version 2. Collection method: clinical testing. Allele origin: germline. Affected: yes. Observed: 1 variant allele.
Comment: NR3C2: BP4, BP7, BS1, BS2

Mayo Clinic Laboratories, Mayo Clinic
Classification: Benign. Last evaluated: 2023-08-11. Review status: criteria provided, single submitter. Criteria: ACMG Guidelines, 2015. Collection method: clinical testing. Allele origin: germline. Observed: 5 variant alleles.
Comment: BS1, BS2, BP4, BP7

Fulgent Genetics
Classification: Likely benign for Autosomal dominant pseudohypoaldosteronism type 1; Pseudohyperaldosteronism type 2. Last evaluated: 2021-08-05. Review status: criteria provided, single submitter. Criteria: ACMG Guidelines, 2015. Collection method: clinical testing. Allele origin: unknown.

Illumina Laboratory Services, Illumina
Classification: Benign for Autosomal dominant pseudohypoaldosteronism type 1. Last evaluated: 2018-01-13. Review status: criteria provided, single submitter. Criteria: ICSL Variant Classification Criteria 13 December 2019. Collection method: clinical testing. Allele origin: germline.
Comment: This variant was observed in the ICSL laboratory as part of a predisposition screen in an ostensibly healthy population. It had not been previously curated by ICSL or reported in the Human Gene Mutation Database (HGMD: prior to June 1st, 2018), and was therefore a candidate for classification through an automated scoring system. Utilizing variant allele frequency, disease prevalence and penetrance estimates, and inheritance mode, an automated score was calculated to assess if this variant is too frequent to cause the disease. Based on the score and internal cut-off values, a variant classified as benign is not then subjected to further curation. The score for this variant resulted in a classification of benign for this disease.

Breakthrough Genomics
Classification: Benign. Review status: criteria provided, single submitter. Criteria: ACMG Guidelines, 2015. Collection method: not provided. Allele origin: germline. Inheritance: Autosomal dominant inheritance. Affected: yes.